The following is an entry in ClinVar:

ClinVar aggregate classification (germline): Uncertain significance (1 of 4 stars; one submission).

gnomAD v4.1: 3 of 1,613,956 alleles (0.00019%); highest among the groups gnomAD compares: Non-Finnish European, 0.00025%; no homozygotes.

Submission:

GeneDx
Classification: Uncertain significance. Last evaluated: 2024-06-03. Review status: criteria provided, single submitter. Criteria: GeneDx Variant Classification Process June 2021. Collection method: clinical testing. Allele origin: germline. Affected: yes.
Comment: Not observed at significant frequency in large population cohorts (gnomAD); In silico analysis supports that this missense variant has a deleterious effect on protein structure/function; Has not been previously published as pathogenic or benign to our knowledge

NM_001134407.3(GRIN2A):c.3002G>A (p.Ser1001Asn)

Gene: GRIN2A (glutamate ionotropic receptor NMDA type subunit 2A; minus strand). Cytogenetic location: 16p13.2.
Variant type: single nucleotide variant.
Coding change: c.3002G>A on transcript NM_001134407.3 (MANE Select); coding-DNA position 3002, G replaced by A.
Protein change: p.Ser1001Asn; replaces serine 1001 with asparagine.
Molecular consequence: missense variant.
Genome position (GRCh38, 1-based): chr16:9,764,542, C>T on the plus strand (G>A on the coding strand, the complement: GRIN2A is on the minus strand). VCF-style: chr16-9764542-C-T. GRCh37 (hg19) VCF-style: chr16-9858399-C-T.
Other names: c.3002G>A, p.Ser1001Asn (NM_000833.5, NM_001134408.2); short protein forms S1001N.
Identifiers: ClinVar variation 3384515 (VCV003384515.1).
Genomic context (GRCh38, chr16:9,764,542, plus strand): 5'-ATGGAATCCACGGATTTCTTCCACAGCTGCCGGGGTCTAGAGTTCGCTTTGGATTCTGTG[C>T]TCACGGCCACCTCCACCGTGTTAGGGTTGGACTCATTGAGAGTAAGAGGATGTTGTCCCT-3'
Protein context (NP_001127879.1, residues 991-1011): SNPNTVEVAV[Ser1001Asn]TESKANSRPR